The following is an entry in ClinVar:

ClinVar aggregate classification (germline): Uncertain significance. Review status: criteria provided, multiple submitters, no conflicts (2 of 4 stars). 7 submissions from 7 submitters: Uncertain significance (6). 1 of the submissions does not count toward it. Last evaluated 2025-08-29.

Conditions:
Inborn genetic diseases. Identifiers: MedGen C0950123, MeSH D030342.
Glycogen storage disease type III (GSD3). Also called: Cori disease; FORBES DISEASE. Identifiers: Orphanet 366, MedGen C0017922, MONDO:0009291, OMIM 232400.

Allele frequency attached by ClinVar (database versions not stated): ExAC 0.00005; TOPMed 0.00005; gnomAD 0.00006; gnomAD exomes 0.00007 and 0.00009; 1000 Genomes Project 30x 0.00016; 1000 Genomes Project 0.00020.
gnomAD v4.1: 145 of 1,613,524 alleles (0.009%); highest among the groups gnomAD compares: Non-Finnish European, 0.011%; no homozygotes.

Submissions (7):

Ambry Genetics
Classification: Uncertain significance for Inborn genetic diseases. Last evaluated: 2025-08-29. Review status: criteria provided, single submitter. Criteria: Ambry Variant Classification Scheme 2023. Collection method: clinical testing. Allele origin: germline.

Blueprint Genetics
Classification: Uncertain significance. Last evaluated: 2024-04-11. Review status: criteria provided, single submitter. Criteria: ACMG Guidelines, 2015. Collection method: clinical testing. Allele origin: germline.

Mayo Clinic Laboratories, Mayo Clinic
Classification: Uncertain significance. Last evaluated: 2023-05-11. Review status: criteria provided, single submitter. Criteria: ACMG Guidelines, 2015. Collection method: clinical testing. Allele origin: germline. Observed: 1 variant allele.
Comment: BP4

Labcorp Genetics (formerly Invitae), Labcorp
Classification: Uncertain significance for Glycogen storage disease type III. Last evaluated: 2022-07-25. Review status: criteria provided, single submitter. Criteria: Invitae Variant Classification Sherloc (09022015). Collection method: clinical testing. Allele origin: germline.
Comment: This sequence change replaces asparagine, which is neutral and polar, with serine, which is neutral and polar, at codon 829 of the AGL protein (p.Asn829Ser). This variant is present in population databases (rs199554089, gnomAD 0.02%). This variant has not been reported in the literature in individuals affected with AGL-related conditions. ClinVar contains an entry for this variant (Variation ID: 424411). Algorithms developed to predict the effect of missense changes on protein structure and function (SIFT, PolyPhen-2, Align-GVGD) all suggest that this variant is likely to be tolerated. In summary, the available evidence is currently insufficient to determine the role of this variant in disease. Therefore, it has been classified as a Variant of Uncertain Significance.

Genome-Nilou Lab
Classification: Uncertain significance for Glycogen storage disease type III. Last evaluated: 2021-07-15. Review status: criteria provided, single submitter. Criteria: ACMG Guidelines, 2015. Collection method: clinical testing. Allele origin: germline. Affected: no.

GeneDx
Classification: Uncertain significance. Last evaluated: 2018-12-12. Review status: criteria provided, single submitter. Criteria: GeneDx Variant Classification (06012015). Collection method: clinical testing. Allele origin: germline. Affected: yes.
Comment: The N829S variant in the AGL gene has not been reported previously as a pathogenic variant, nor as a benign variant, to our knowledge. The N829S variant is observed in 19/126082 (0.015%) alleles from individuals of non-Finnish European background in large population cohorts (Lek et al., 2016). The N829S variant is a conservative amino acid substitution, which is not likely to impact secondary protein structure as these residues share similar properties. In-silico analyses, including protein predictors and evolutionary conservation, support that this variant does not alter protein structure/function. We interpret N829S as a variant of uncertain significance.

Natera, Inc.
Classification: Uncertain significance for Glycogen storage disease type III. Last evaluated: 2020-01-24. Review status: no assertion criteria provided. Collection method: clinical testing. Allele origin: germline. Not counted in ClinVar's aggregate classification.

NM_000642.3(AGL):c.2486A>G (p.Asn829Ser)

Gene: AGL (amylo-alpha-1,6-glucosidase and 4-alpha-glucanotransferase; plus strand). Cytogenetic location: 1p21.2.
Variant type: single nucleotide variant.
Coding change: c.2486A>G on transcript NM_000642.3 (MANE Select); coding-DNA position 2486, A replaced by G.
Protein change: p.Asn829Ser; replaces asparagine 829 with serine.
Molecular consequence: missense variant.
Genome position (GRCh38, 1-based): chr1:99,884,391, A>G. VCF-style: chr1-99884391-A-G. GRCh37 (hg19) VCF-style: chr1-100349947-A-G.
Other names: p.Asn829Ser; c.2486A>G, p.Asn829Ser (NM_000028.3, NM_000643.3, NM_000644.3 and 2 more transcripts); c.2438A>G, p.Asn813Ser (NM_000646.3); c.2285A>G, p.Asn762Ser (NM_001425327.1); c.2282A>G, p.Asn761Ser (NM_001425328.1, NM_001425329.1); c.2108A>G, p.Asn703Ser (NM_001425332.1); short protein forms N829S, N813S, N703S, N761S, N762S.
Identifiers: ClinVar variation 424411 (VCV000424411.13), dbSNP rs199554089, ClinGen allele CA966799.